The following is an entry in ClinVar:

ClinVar aggregate classification (germline): Likely benign (0 of 4 stars; one submission).

Submission:

ISCA site 1
Classification: Likely benign. Last evaluated: 2011-05-06. Review status: no assertion criteria provided. Collection method: clinical testing. Allele origin: paternal. Affected: yes. Observed: 1 variant allele.
Comment: Copy number variation identified through the course of routine clinical cytogenomic testing in postnatal populations. Clinical assertions have been curated as described in Kaminsky et al. 2011.

Copy number variation identified through the course of routine clinical cytogenomic testing in postnatal populations. Clinical assertions have been curated as described in Kaminsky, et al. 2011 (PubMed 21844811). For additional ClinGen data, please see nstd37.

GRCh38/hg38 7q31.1(chr7:111771934-112414850)x3

Genes: DOCK4 (dedicator of cytokinesis 4; minus strand), DOCK4-AS1 (DOCK4 antisense RNA 1; plus strand), ZNF277 (zinc finger protein 277; plus strand), ZNF277-AS1 (ZNF277 antisense RNA 1; minus strand), LOC126860153 (BRD4-independent group 4 enhancer GRCh37_chr7:111507301-111508500; plus strand) and 4 more. Cytogenetic location: 7q31.1.
Variant type: copy number gain.
Change: copy number 3 (three copies instead of two) of chr7:111,771,934-112,414,850 (642.9 kb, GRCh38 coordinates, 1-based), cytogenetic band 7q31.1.
Identifiers: ClinVar variation 146458 (VCV000146458.2).